The following is an entry in ClinVar:

NM_004820.5(CYP7B1):c.116G>A (p.Arg39His)

Gene: CYP7B1 (cytochrome P450 family 7 subfamily B member 1; minus strand). Cytogenetic location: 8q12.3.
Variant type: single nucleotide variant.
Coding change: c.116G>A on transcript NM_004820.5 (MANE Select); coding-DNA position 116, G replaced by A.
Protein change: p.Arg39His; replaces arginine 39 with histidine.
Molecular consequence: missense variant.
Genome position (GRCh38, 1-based): chr8:64,798,472, C>T on the plus strand (G>A on the coding strand, the complement: CYP7B1 is on the minus strand). VCF-style: chr8-64798472-C-T. GRCh37 (hg19) VCF-style: chr8-65711029-C-T.
Other names: c.116G>A, p.Arg39His (NM_001324112.2); short protein forms R39H.
Identifiers: ClinVar variation 2735181 (VCV002735181.3), dbSNP rs531385629, ClinGen allele CA179061865.

ClinVar aggregate classification (germline): Uncertain significance (1 of 4 stars; one submission).

Conditions:
Spastic paraplegia. Identifiers: MedGen C0037772, HP:0001258.

Allele frequency attached by ClinVar (database versions not stated): gnomAD 0.00001; TOPMed 0.00001; 1000 Genomes Project 30x 0.00016; 1000 Genomes Project 0.00020.
gnomAD v4.1: 2 of 1,511,834 alleles (0.00013%); highest among the groups gnomAD compares: East Asian, 0.0026%; no homozygotes.

Submission:

Labcorp Genetics (formerly Invitae), Labcorp
Classification: Uncertain significance for Spastic paraplegia. Last evaluated: 2023-10-16. Review status: criteria provided, single submitter. Criteria: Invitae Variant Classification Sherloc (09022015). Collection method: clinical testing. Allele origin: germline.
Comment: This sequence change replaces arginine, which is basic and polar, with histidine, which is basic and polar, at codon 39 of the CYP7B1 protein (p.Arg39His). This variant is not present in population databases (gnomAD no frequency). This missense change has been observed in individuals with hereditary spastic paraplegia (PMID: 29126212; Invitae). Advanced modeling of protein sequence and biophysical properties (such as structural, functional, and spatial information, amino acid conservation, physicochemical variation, residue mobility, and thermodynamic stability) performed at Invitae indicates that this missense variant is not expected to disrupt CYP7B1 protein function. This variant disrupts the p.Arg39 amino acid residue in CYP7B1. Other variant(s) that disrupt this residue have been observed in individuals with CYP7B1-related conditions (PMID: 29126212), which suggests that this may be a clinically significant amino acid residue. In summary, the available evidence is currently insufficient to determine the role of this variant in disease. Therefore, it has been classified as a Variant of Uncertain Significance.

Literature cited by the submitters: PubMed 29126212.